The following is an entry in ClinVar:

ClinVar aggregate classification (germline): Uncertain significance (1 of 4 stars; one submission).

Allele frequency attached by ClinVar (database versions not stated): ExAC 0.00003.
gnomAD v4.1: 7 of 1,613,856 alleles (0.00043%); highest among the groups gnomAD compares: Middle Eastern, 0.017%; no homozygotes.

Submission:

Labcorp Genetics (formerly Invitae), Labcorp
Classification: Uncertain significance. Last evaluated: 2023-09-18. Review status: criteria provided, single submitter. Criteria: Invitae Variant Classification Sherloc (09022015). Collection method: clinical testing. Allele origin: germline.
Comment: This sequence change replaces serine, which is neutral and polar, with arginine, which is basic and polar, at codon 36 of the PIGY protein (p.Ser36Arg). This variant is present in population databases (rs753094548, gnomAD 0.003%). This variant has not been reported in the literature in individuals affected with PIGY-related conditions. An algorithm developed to predict the effect of missense changes on protein structure and function (PolyPhen-2) suggests that this variant is likely to be tolerated. In summary, the available evidence is currently insufficient to determine the role of this variant in disease. Therefore, it has been classified as a Variant of Uncertain Significance.

NM_001042616.3(PIGY):c.108C>G (p.Ser36Arg)

Genes: PIGY (phosphatidylinositol glycan anchor biosynthesis class Y; minus strand), PYURF (PIGY upstream open reading frame; minus strand). Cytogenetic location: 4q22.1.
Variant type: single nucleotide variant.
Coding change: c.108C>G on transcript NM_001042616.3 (MANE Select); coding-DNA position 108, C replaced by G.
Protein change: p.Ser36Arg; replaces serine 36 with arginine.
Molecular consequence: missense variant. On other transcripts: 3 prime UTR variant (1).
Genome position (GRCh38, 1-based): chr4:88,521,682, G>C on the plus strand (C>G on the coding strand, the complement: PIGY is on the minus strand). VCF-style: chr4-88521682-G-C. GRCh37 (hg19) VCF-style: chr4-89442833-G-C.
Other names: c.*206C>G (NM_032906.5); short protein forms S36R.
Identifiers: ClinVar variation 2974851 (VCV002974851.3), dbSNP rs753094548, ClinGen allele CA3007126.